The following is an entry in ClinVar:

ClinVar aggregate classification (germline): Uncertain significance (1 of 4 stars; one submission).

Conditions:
Hereditary breast ovarian cancer syndrome. Also called: Hereditary breast and ovarian cancer syndrome; Hereditary breast and ovarian cancer syndrome (HBOC); Hereditary breast and/or ovarian cancer syndrome; Hereditary breast and ovarian cancer; Breast and ovarian cancer; BRCA1- and BRCA2-Associated Hereditary Breast and Ovarian Cancer. Identifiers: Orphanet 145, MedGen C0677776, MeSH D061325, MONDO:0003582. Disease mechanism: loss of function.

Submission:

Labcorp Genetics (formerly Invitae), Labcorp
Classification: Uncertain significance for Hereditary breast ovarian cancer syndrome. Last evaluated: 2024-01-24. Review status: criteria provided, single submitter. Criteria: Invitae Variant Classification Sherloc (09022015). Collection method: clinical testing. Allele origin: germline.
Comment: This sequence change replaces aspartic acid, which is acidic and polar, with valine, which is neutral and non-polar, at codon 2679 of the BRCA2 protein (p.Asp2679Val). This variant is not present in population databases (gnomAD no frequency). This variant has not been reported in the literature in individuals affected with BRCA2-related conditions. Advanced modeling of protein sequence and biophysical properties (such as structural, functional, and spatial information, amino acid conservation, physicochemical variation, residue mobility, and thermodynamic stability) has been performed at Invitae for this missense variant, however the output from this modeling did not meet the statistical confidence thresholds required to predict the impact of this variant on BRCA2 protein function. In summary, the available evidence is currently insufficient to determine the role of this variant in disease. Therefore, it has been classified as a Variant of Uncertain Significance.

NM_000059.4(BRCA2):c.8036A>T (p.Asp2679Val)

Gene: BRCA2 (BRCA2 DNA repair associated; plus strand). Cytogenetic location: 13q13.1.
Variant type: single nucleotide variant.
Coding change: c.8036A>T on transcript NM_000059.4 (MANE Select); coding-DNA position 8036, A replaced by T.
Protein change: p.Asp2679Val; replaces aspartic acid 2679 with valine.
Molecular consequence: missense variant. On other transcripts: non-coding transcript variant (1).
Genome position (GRCh38, 1-based): chr13:32,363,238, A>T. VCF-style: chr13-32363238-A-T. GRCh37 (hg19) VCF-style: chr13-32937375-A-T.
Other names: c.7940A>T, p.Asp2647Val (NM_001406719.1); c.8036A>T, p.Asp2679Val (NM_001406720.1); c.3104A>T, p.Asp1035Val (NM_001406721.1); c.1619A>T, p.Asp540Val (NM_001406722.1); short protein forms D2647V, D540V, D1035V, D2679V.
Identifiers: ClinVar variation 2711127 (VCV002711127.3), dbSNP rs80359041, ClinGen allele CA387748981.
Genomic context (GRCh38, chr13:32,363,238, plus strand): 5'-GATATGATACGGAAATTGATAGAAGCAGAAGATCGGCTATAAAAAAGATAATGGAAAGGG[A>T]TGACACAGCTGCAAAAACACTTGTTCTCTGTGTTTCTGACATAATTTCATTGAGCGCAAA-3'
Protein context (NP_000050.3, residues 2669-2689): RSAIKKIMER[Asp2679Val]DTAAKTLVLC